The following is an entry in ClinVar:

ClinVar aggregate classification (germline): Conflicting classifications of pathogenicity. Review status: criteria provided, conflicting classifications (1 of 4 stars). 2 submissions from 2 submitters: Uncertain significance (1); Likely benign (1). Last evaluated 2025-12-02.

Conditions:
Myofibrillar myopathy 5. Also called: Filaminopathy (type); FILAMINOPATHY, AUTOSOMAL DOMINANT. Identifiers: Orphanet 171445, MedGen C1836050, MONDO:0012289, OMIM 609524.
Distal myopathy with posterior leg and anterior hand involvement. Also called: WILLIAMS DISTAL MYOPATHY. Identifiers: Orphanet 63273, MedGen C3279722, MONDO:0013550, OMIM 614065.
Hypertrophic cardiomyopathy 26. Also called: Cardiomyopathy, familial hypertrophic, 26. Identifiers: Orphanet 75249, MedGen C4310749, MONDO:0014883, OMIM 617047.

Allele frequency attached by ClinVar (database versions not stated): gnomAD below 0.00001 and 0.00001; TOPMed 0.00001; gnomAD exomes 0.00002; ExAC 0.00003.
gnomAD v4.1: 26 of 1,613,836 alleles (0.0016%); highest among the groups gnomAD compares: South Asian, 0.0055%; no homozygotes.

Submissions (2):

Labcorp Genetics (formerly Invitae), Labcorp
Classification: Likely benign for Distal myopathy with posterior leg and anterior hand involvement; Myofibrillar myopathy 5; Hypertrophic cardiomyopathy 26. Last evaluated: 2025-12-02. Review status: criteria provided, single submitter. Criteria: Invitae Variant Classification Sherloc (09022015). Collection method: clinical testing. Allele origin: germline.

GeneDx
Classification: Uncertain significance. Last evaluated: 2021-04-14. Review status: criteria provided, single submitter. Criteria: GeneDx Variant Classification Process June 2021. Collection method: clinical testing. Allele origin: germline. Affected: yes.
Comment: Has not been previously published as pathogenic or benign to our knowledge; In silico analysis supports that this missense variant does not alter protein structure/function

NM_001458.5(FLNC):c.3023G>A (p.Arg1008His)

Gene: FLNC (filamin C; plus strand). Cytogenetic location: 7q32.1.
Variant type: single nucleotide variant.
Coding change: c.3023G>A on transcript NM_001458.5 (MANE Select); coding-DNA position 3023, G replaced by A.
Protein change: p.Arg1008His; replaces arginine 1008 with histidine.
Molecular consequence: missense variant.
Genome position (GRCh38, 1-based): chr7:128,844,097, G>A. VCF-style: chr7-128844097-G-A. GRCh37 (hg19) VCF-style: chr7-128484151-G-A.
Other names: c.3023G>A, p.Arg1008His (NM_001127487.2); short protein forms R1008H.
Identifiers: ClinVar variation 944591 (VCV000944591.11), dbSNP rs777492254, ClinGen allele CA4474937.